The following is an entry in ClinVar:

NM_015099.4(CAMTA2):c.2287G>A (p.Ala763Thr)

Gene: CAMTA2 (calmodulin binding transcription activator 2; minus strand). Cytogenetic location: 17p13.2.
Variant type: single nucleotide variant.
Coding change: c.2287G>A on transcript NM_015099.4 (MANE Select); coding-DNA position 2287, G replaced by A.
Protein change: p.Ala763Thr; replaces alanine 763 with threonine.
Molecular consequence: missense variant.
Genome position (GRCh38, 1-based): chr17:4,972,985, C>T on the plus strand (G>A on the coding strand, the complement: CAMTA2 is on the minus strand). VCF-style: chr17-4972985-C-T. GRCh37 (hg19) VCF-style: chr17-4876280-C-T.
Other names: c.2293G>A, p.Ala765Thr (NM_001171166.2); c.2356G>A, p.Ala786Thr (NM_001171167.2); c.2284G>A, p.Ala762Thr (NM_001171168.2); short protein forms A762T, A763T, A765T, A786T.
Identifiers: ClinVar variation 3901088 (VCV003901088.1).

ClinVar aggregate classification (germline): Uncertain significance (1 of 4 stars; one submission).

Conditions:
Cerebellar dysfunction with variable cognitive and behavioral abnormalities (CECBA). Also called: Nonprogressive cerebellar atxia with intellectual disability. Identifiers: Orphanet 314647, MedGen C3553661, MONDO:0013886, OMIM 614756.

Submission:

Institute of Human Genetics, University of Goettingen
Classification: Uncertain significance for Cerebellar dysfunction with variable cognitive and behavioral abnormalities. Last evaluated: 2025-01-17. Review status: criteria provided, single submitter. Criteria: ACMG Guidelines, 2015. Collection method: clinical testing. Allele origin: maternal. Inheritance: Autosomal dominant inheritance. Affected: yes. Observed: 1 heterozygote.
Comment: The variant c.2293G>A (p.(Ala765Thr)) in exon 15 of the CAMTA2-gene is not found in the gnomAD database, it affects a moderately conserved nucleotide, and a highly conserved amino acid and there is a small physicochemical difference between Ala and Thr. CAMTA2 might be a epilepsy-associated gene. So far, 1 patient with DEE and a pathogenic variant in CAMTA2 was identified (PMID: 37777370). ACMG criteria used for classification: PM2_sup, PP3